The following is an entry in ClinVar:

NM_004360.5(CDH1):c.1865A>T (p.Asn622Ile)

Gene: CDH1 (cadherin 1; plus strand). Cytogenetic location: 16q22.1.
Variant type: single nucleotide variant.
Coding change: c.1865A>T on transcript NM_004360.5 (MANE Select); coding-DNA position 1865, A replaced by T.
Protein change: p.Asn622Ile; replaces asparagine 622 with isoleucine.
Molecular consequence: missense variant. On other transcripts: 5 prime UTR variant (1).
Genome position (GRCh38, 1-based): chr16:68,822,154, A>T. VCF-style: chr16-68822154-A-T. GRCh37 (hg19) VCF-style: chr16-68856057-A-T.
Other names: c.317A>T, p.Asn106Ile (NM_001317185.2); c.-101A>T (NM_001317186.2); c.1682A>T, p.Asn561Ile (NM_001317184.2); short protein forms N561I, N622I, N106I.
Identifiers: ClinVar variation 3488639 (VCV003488639.3).

ClinVar aggregate classification (germline): Uncertain significance. Review status: criteria provided, multiple submitters, no conflicts (2 of 4 stars). 2 submissions from 2 submitters: Uncertain significance (2). Last evaluated 2024-11-15.

Conditions:
Hereditary diffuse gastric adenocarcinoma (HDGC). Also called: DIFFUSE GASTRIC AND LOBULAR BREAST CANCER SYNDROME. Identifiers: Orphanet 26106, MedGen C1708349, MONDO:0007648, OMIM 137215.
Hereditary cancer-predisposing syndrome. Also called: Hereditary Cancer Syndrome; Hereditary neoplastic syndrome; Neoplastic Syndromes, Hereditary; Tumor predisposition. Identifiers: Orphanet 140162, MedGen C0027672, MeSH D009386, MONDO:0015356.

Submissions (2):

Labcorp Genetics (formerly Invitae), Labcorp
Classification: Uncertain significance for Hereditary diffuse gastric adenocarcinoma. Last evaluated: 2024-11-15. Review status: criteria provided, single submitter. Criteria: Invitae Variant Classification Sherloc (09022015). Collection method: clinical testing. Allele origin: germline.
Comment: This sequence change replaces asparagine, which is neutral and polar, with isoleucine, which is neutral and non-polar, at codon 622 of the CDH1 protein (p.Asn622Ile). This variant is not present in population databases (gnomAD no frequency). This variant has not been reported in the literature in individuals affected with CDH1-related conditions. An algorithm developed to predict the effect of missense changes on protein structure and function (PolyPhen-2) suggests that this variant is likely to be disruptive. In summary, the available evidence is currently insufficient to determine the role of this variant in disease. Therefore, it has been classified as a Variant of Uncertain Significance.

Ambry Genetics
Classification: Uncertain significance for Hereditary cancer-predisposing syndrome. Last evaluated: 2024-07-31. Review status: criteria provided, single submitter. Criteria: Ambry Variant Classification Scheme 2023. Collection method: clinical testing. Allele origin: germline.
Comment: The p.N622I variant (also known as c.1865A>T), located in coding exon 12 of the CDH1 gene, results from an A to T substitution at nucleotide position 1865. The asparagine at codon 622 is replaced by isoleucine, an amino acid with dissimilar properties. This amino acid position is conserved. In addition, the in silico prediction for this alteration is inconclusive. Based on the available evidence, the clinical significance of this variant remains unclear.